The following is an entry in ClinVar:

NM_000071.3(CBS):c.361C>T (p.Arg121Cys)

Gene: CBS (cystathionine beta-synthase; minus strand). Cytogenetic location: 21q22.3.
Variant type: single nucleotide variant.
Coding change: c.361C>T on transcript NM_000071.3 (MANE Select); coding-DNA position 361, C replaced by T.
Protein change: p.Arg121Cys; replaces arginine 121 with cysteine.
Molecular consequence: missense variant.
Genome position (GRCh38, 1-based): chr21:43,066,333, G>A on the plus strand (C>T on the coding strand, the complement: CBS is on the minus strand). VCF-style: chr21-43066333-G-A. GRCh37 (hg19) VCF-style: chr21-44486443-G-A.
Other names: p.R121C:CGC>TGC; c.361C>T, p.Arg121Cys (NM_001178008.3, NM_001178009.3, NM_001320298.2); c.46C>T, p.Arg16Cys (NM_001321072.1); short protein forms R121C, R16C.
Identifiers: ClinVar variation 212842 (VCV000212842.19), dbSNP rs775992753, ClinGen allele CA321269.

ClinVar aggregate classification (germline): Pathogenic/Likely pathogenic. Review status: criteria provided, multiple submitters, no conflicts (2 of 4 stars). 7 submissions from 7 submitters: Pathogenic (4); Likely pathogenic (3). Last evaluated 2026-01-20.

Conditions:
CBS-related disorder. Also called: CBS-related condition.
Homocystinuria. Identifiers: MedGen C0019880, MONDO:0004737, HP:0002156.
Classic homocystinuria. Also called: Homocystinuria due to Cystathionine Beta-Synthase Deficiency; Homocystinuria due to CBS deficiency; Cystathionine beta-synthase deficiency; CBS deficiency; HOMOCYSTINURIA WITH OR WITHOUT RESPONSE TO PYRIDOXINE. Identifiers: Orphanet 394, MedGen C0751202, MONDO:0009352, OMIM 236200.
HYPERHOMOCYSTEINEMIA, THROMBOTIC, CBS-RELATED. Identifiers: MedGen C3150344, OMIM 236200.

Allele frequency attached by ClinVar (database versions not stated): gnomAD exomes 0.00002; ExAC 0.00003.

Submissions (7):

Labcorp Genetics (formerly Invitae), Labcorp
Classification: Pathogenic for HYPERHOMOCYSTEINEMIA, THROMBOTIC, CBS-RELATED. Last evaluated: 2026-01-20. Review status: criteria provided, single submitter. Criteria: Invitae Variant Classification Sherloc (09022015). Collection method: clinical testing. Allele origin: germline.
Comment: This sequence change replaces arginine, which is basic and polar, with cysteine, which is neutral and slightly polar, at codon 121 of the CBS protein (p.Arg121Cys). This variant is present in population databases (rs775992753, gnomAD 0.004%). This missense change has been observed in individuals with homocystinuria (PMID: 10338090, 16307898, 21520339; internal data). ClinVar contains an entry for this variant (Variation ID: 212842). Invitae Evidence Modeling of protein sequence and biophysical properties (such as structural, functional, and spatial information, amino acid conservation, physicochemical variation, residue mobility, and thermodynamic stability) indicates that this missense variant is expected to disrupt CBS protein function with a positive predictive value of 95%. Experimental studies have shown that this missense change affects CBS function (PMID: 22267502). This variant disrupts the p.Arg121 amino acid residue in CBS. Other variant(s) that disrupt this residue have been determined to be pathogenic (PMID: 10338090, 22267502, 22353391). This suggests that this residue is clinically significant, and that variants that disrupt this residue are likely to be disease-causing. For these reasons, this variant has been classified as Pathogenic.

Natera, Inc.
Classification: Likely pathogenic for Homocystinuria due to cystathionine beta-synthase deficiency. Last evaluated: 2024-12-29. Review status: criteria provided, single submitter. Criteria: Natera Variant Classification Schema (03/2026). Collection method: clinical testing. Allele origin: germline.
Comment: The c.361C>T variant in CBS is a missense variant predicted to cause substitution of arginine to cysteine at amino acid 121. This variant is rare in the general population with a frequency below the threshold expected for the associated phenotype(s). This variant has been observed in one or more individuals affected with the associated recessive disease, as either homozygous or compound heterozygous with a second variant (PMID: 21520339, 16307898). A different variant at the same position has been determined to be Pathogenic or Likely Pathogenic. Computational prediction algorithms indicate this variant is likely to affect gene or protein function. Given the available evidence, this variant is classified as Likely Pathogenic.

Baylor Genetics
Classification: Pathogenic for Classic homocystinuria. Last evaluated: 2023-11-27. Review status: criteria provided, single submitter. Criteria: ACMG Guidelines, 2015. Collection method: clinical testing. Allele origin: unknown.

Women's Health and Genetics/Laboratory Corporation of America, LabCorp
Classification: Likely pathogenic for Homocystinuria. Last evaluated: 2022-04-14. Review status: criteria provided, single submitter. Criteria: LabCorp Variant Classification Summary - May 2015. Collection method: clinical testing. Allele origin: germline.
Comment: Variant summary: CBS c.361C>T (p.Arg121Cys) results in a non-conservative amino acid change located in the Pyridoxal-phosphate dependent enzyme domain (IPR001926) of the encoded protein sequence. Five of five in-silico tools predict a damaging effect of the variant on protein function. The variant allele was found at a frequency of 1.6e-05 in 251102 control chromosomes (gnomAD). The variant, c.361C>T, has been reported in the literature in individuals affected with Homocystinuria, including one homozygote (Kraus_1999, Katsushima_2006, Cozar_2011). These data indicate that the variant is likely to be associated with disease. One publication, (Mayfield_2012), tested the function of this variant in a yeast assay and reported the variant to be non-functional, while a different functional study, also using a yeast assay, reported the variant as neutral (Wei_2010). Two other clinical diagnostic laboratories have submitted clinical-significance assessments for this variant to ClinVar after 2014, and classified the variant as pathogenic/likely pathogenic. Based on the evidence outlined above, the variant was classified as pathogenic.

Blueprint Genetics
Classification: Pathogenic for CBS-related disorders. Last evaluated: 2021-11-10. Review status: criteria provided, single submitter. Criteria: ACMG Guidelines, 2015. Collection method: clinical testing. Allele origin: germline. Affected: yes. Observed: 3 variant alleles.

GeneDx
Classification: Pathogenic. Last evaluated: 2021-10-25. Review status: criteria provided, single submitter. Criteria: GeneDx Variant Classification Process June 2021. Collection method: clinical testing. Allele origin: germline. Affected: yes.
Comment: Not observed at significant frequency in large population cohorts (gnomAD); The p.(R121C) variant was determined to be nonfunctional in yeast complementation studies (Mayfield et al., 2021); In silico analysis supports that this missense variant has a deleterious effect on protein structure/function; This variant is associated with the following publications: (PMID: 20455263, 10338090, 21520339, 16307898, 12686134, 22267502)

Illumina Laboratory Services, Illumina
Classification: Likely pathogenic for Classic homocystinuria. Last evaluated: 2018-04-23. Review status: criteria provided, single submitter. Criteria: ICSL Variant Classification Criteria 09 May 2019. Collection method: clinical testing. Allele origin: germline.
Comment: The CBS c.361C>T (p.Arg121Cys) missense variant has been reported in three studies in which it is identified in a homozygous state in one individual and in a compound heterozygous state in a second individual in trans with a known pathogenic variant, both diagnosed with CBS deficiency (Katushima et al. 2006; Cozar et al. 2011). The variant has also been reported in a compound heterozygous state in one individual described as asymptomatic and in an additional two patient alleles of unknown zygosity (Kraus et al. 1999). In one study, the p.Arg121Cys variant was absent from 100 ethnically matched control chromosomes but is reported at a frequency of 0.000060 in the European (non-Finnish) population of the Exome Aggregation Consortium. Contradictory results were obtained in functional studies in yeast: Wei et al. (2010) describe the variant as neutral whereas Mayfield et al. (2012) describe the variant as non-functional. Six prediction algorithms predict the variant to be deleterious (Wei et al. 2010). The Arg121 residue is conserved and involved in important salt-bridge interactions with other residues (Wei et al. 2010). Based on the evidence, the p.Arg121Cys variant is classified as likely pathogenic for homocystinuria. This variant was observed by ICSL as part of a predisposition screen in an ostensibly healthy population.

Literature cited by the submitters: PubMed 10338090 (cited by 3 submitters); PubMed 16307898 (cited by 4 submitters); PubMed 21520339 (cited by 4 submitters); PubMed 22267502 (cited by 3 submitters); PubMed 22353391 (cited by Labcorp Genetics (formerly Invitae), Labcorp); PubMed 20455263 (cited by Women's Health and Genetics/Laboratory Corporation of America, LabCorp and Illumina Laboratory Services, Illumina); PubMed 12686134 (cited by Women's Health and Genetics/Laboratory Corporation of America, LabCorp).